The following is an entry in ClinVar:

ClinVar aggregate classification (germline): Uncertain significance (1 of 4 stars; one submission).

Conditions:
Early-onset Parkinson disease 20. Also called: PARKINSON DISEASE 20, AUTOSOMAL RECESSIVE EARLY-ONSET. Identifiers: Orphanet 391411, MedGen C3809824, MONDO:0014233, OMIM 615530.
Developmental and epileptic encephalopathy, 53. Also called: Epileptic encephalopathy, early infantile, 53. Identifiers: MedGen C4479313, MONDO:0033362, OMIM 617389.

Allele frequency attached by ClinVar (database versions not stated): gnomAD exomes below 0.00001 and 0.00001; TOPMed below 0.00001; ExAC 0.00002.
gnomAD v4.1: 8 of 1,614,226 alleles (0.0005%); highest among the groups gnomAD compares: East Asian, 0.013%; no homozygotes.

Submission:

Labcorp Genetics (formerly Invitae), Labcorp
Classification: Uncertain significance for Developmental and epileptic encephalopathy, 53; Early-onset Parkinson disease 20. Last evaluated: 2022-03-19. Review status: criteria provided, single submitter. Criteria: Invitae Variant Classification Sherloc (09022015). Collection method: clinical testing. Allele origin: germline.
Comment: In summary, the available evidence is currently insufficient to determine the role of this variant in disease. Therefore, it has been classified as a Variant of Uncertain Significance. Algorithms developed to predict the effect of missense changes on protein structure and function (SIFT, PolyPhen-2, Align-GVGD) all suggest that this variant is likely to be tolerated. ClinVar contains an entry for this variant (Variation ID: 947823). This variant has not been reported in the literature in individuals affected with SYNJ1-related conditions. This variant is present in population databases (rs753264526, gnomAD 0.01%). This sequence change replaces phenylalanine, which is neutral and non-polar, with leucine, which is neutral and non-polar, at codon 1500 of the SYNJ1 protein (p.Phe1500Leu).

NM_203446.3(SYNJ1):c.*469T>C

Gene: SYNJ1 (synaptojanin 1; minus strand). Cytogenetic location: 21q22.11.
Variant type: single nucleotide variant.
Coding change: c.*469T>C on transcript NM_203446.3 (MANE Select); 469 bases downstream of the stop codon, T replaced by C.
Molecular consequence: 3 prime UTR variant. On other transcripts: missense variant (2).
Genome position (GRCh38, 1-based): chr21:32,631,336, A>G on the plus strand (T>C on the coding strand, the complement: SYNJ1 is on the minus strand). VCF-style: chr21-32631336-A-G. GRCh37 (hg19) VCF-style: chr21-34003646-A-G.
Other names: c.*469T>C (NM_001160302.2); c.4240T>C, p.Phe1414Leu (NM_001160306.2); c.4498T>C, p.Phe1500Leu (NM_003895.4); short protein forms F1414L, F1500L.
Identifiers: ClinVar variation 947823 (VCV000947823.8), dbSNP rs753264526, ClinGen allele CA10003112.